The following is an entry in ClinVar:

NM_000463.3(UGT1A1):c.1120G>A (p.Gly374Ser)

Genes: UGT1A5 (UDP glucuronosyltransferase family 1 member A5; plus strand), UGT1A10 (UDP glucuronosyltransferase family 1 member A10; plus strand), UGT1A (UDP glucuronosyltransferase family 1 member A complex locus; plus strand), UGT1A7 (UDP glucuronosyltransferase family 1 member A7; plus strand), UGT1A9 (UDP glucuronosyltransferase family 1 member A9; plus strand) and 5 more. Cytogenetic location: 2q37.1.
Variant type: single nucleotide variant.
Coding change: c.1120G>A on transcript NM_000463.3 (MANE Select); coding-DNA position 1120, G replaced by A.
Protein change: p.Gly374Ser; replaces glycine 374 with serine.
Molecular consequence: missense variant.
Genome position (GRCh38, 1-based): chr2:233,768,255, G>A. VCF-style: chr2-233768255-G-A. GRCh37 (hg19) VCF-style: chr2-234676901-G-A.
Other names: c.1111G>A, p.Gly371Ser (NM_019075.4, NM_019076.5, NM_019077.3 and 1 more transcripts); c.1117G>A, p.Gly373Ser (NM_001072.4); c.316G>A, p.Gly106Ser (NM_205862.3); c.1123G>A, p.Gly375Ser (NM_019078.2, NM_007120.3, NM_019093.4); short protein forms G106S, G371S, G373S, G374S, G375S.
Identifiers: ClinVar variation 3775973 (VCV003775973.1).

ClinVar aggregate classification (germline): Uncertain significance (1 of 4 stars; one submission).

Conditions:
Gilbert syndrome. Also called: HYPERBILIRUBINEMIA, GILBERT TYPE; Gilbert Disease; Gilbert's syndrome; HYPERBILIRUBINEMIA I; HYPERBILIRUBINEMIA, ARIAS TYPE. Identifiers: MedGen C0017551, MONDO:0007745, OMIM 143500.

gnomAD v4.1: 2 of 1,614,166 alleles (0.00012%); highest among the groups gnomAD compares: Non-Finnish European, 0.000085%; no homozygotes.

Submission:

3billion
Classification: Uncertain significance for Gilbert syndrome. Last evaluated: 2024-01-05. Review status: criteria provided, single submitter. Criteria: ACMG Guidelines, 2015. Collection method: clinical testing. Allele origin: germline. Affected: yes.
Comment: The variant is observed at an extremely low frequency in the gnomAD v2.1.1 dataset (total allele frequency: <0.001%). Predicted Consequence/Location: Missense variant In silico tool predictions suggest damaging effect of the variant on gene or gene product [REVEL: 0.93 (>=0.6, sensitivity 0.68 and specificity 0.92); 3Cnet: 0.69 (>=0.6, sensitivity 0.72 and precision 0.9)]. Therefore, this variant is classified as VUS according to the recommendation of ACMG/AMP guideline.